The following is an entry in ClinVar:

ClinVar aggregate classification (germline): Uncertain significance (1 of 4 stars; one submission).

Conditions:
Megalencephalic leukoencephalopathy with subcortical cysts 1 (MLC1). Also called: LEUKOENCEPHALOPATHY WITH SWELLING AND CYSTS; VACUOLATING MEGALENCEPHALIC LEUKOENCEPHALOPATHY WITH SUBCORTICAL CYSTS. Identifiers: Orphanet 2478, MedGen C5779875, MONDO:0024555, OMIM 604004.

Submission:

3billion
Classification: Uncertain significance for Megalencephalic leukoencephalopathy with subcortical cysts 1. Last evaluated: 2025-11-11. Review status: criteria provided, single submitter. Criteria: ACMG Guidelines, 2015. Collection method: clinical testing. Allele origin: germline. Affected: yes.
Comment: The variant is not observed in the gnomAD v4.1.0 dataset. Predicted Consequence/Location: Inframe deletion located in a repeat region: not predicted to disrupt normal protein function. Therefore, this variant is classified as VUS according to the recommendation of ACMG/AMP guideline.

NM_015166.4(MLC1):c.929_943del (p.Leu310_Leu314del)

Gene: MLC1 (modulator of VRAC current 1; minus strand). Cytogenetic location: 22q13.33.
Variant type: Deletion.
Coding change: c.929_943del on transcript NM_015166.4 (MANE Select); coding-DNA positions 929 to 943, 15 bases deleted (TAGTGCTCCTGCTGC).
Protein change: p.Leu310_Leu314del.
Molecular consequence: inframe deletion. On other transcripts: non-coding transcript variant (3).
Genome position (GRCh38, 1-based): chr22:50,064,150-50,064,164, GCAGCAGGAGCACTA deleted on the plus strand (TAGTGCTCCTGCTGC on the coding strand, the reverse complement: MLC1 is on the minus strand); deleting any 15 consecutive bases within chr22:50,064,150-50,064,171 gives the same sequence; the c. name uses the placement nearest the transcript's 3' end. VCF-style (leftmost placement, unchanged base first): chr22-50064149-TGCAGCAGGAGCACTA-T. GRCh37 (hg19) VCF-style: chr22-50502578-TGCAGCAGGAGCACTA-T.
Other names: c.929_943del, p.Leu310_Leu314del (NM_139202.3, NM_001376472.1, NM_001376473.1 and 5 more transcripts); c.773_787del, p.Leu258_Leu262del (NM_001376482.1, NM_001376483.1); c.692_706del, p.Leu231_Leu235del (NM_001376484.1); c.872_886del, p.Leu291_Leu295del (NM_001376479.1); c.839_853del, p.Leu280_Leu284del (NM_001376480.1); c.827_841del, p.Leu276_Leu280del (NM_001376481.1).
Identifiers: ClinVar variation 4855317 (VCV004855317.1).
Genomic context (GRCh38, chr22:50,064,149, plus strand): 5'-AGCCTTGCACTGACCTTGAAGCGCACGCACTGGATGGCGGTGCCCGTGTTGAGGCCGGCC[TGCAGCAGGAGCACTA>T]GCAGCAGCAGCAGCAGCAGCACATCGTAGGATGGCTGCAGGCGGAAGGAGGTGTGAGCAG-3'